The following is an entry in ClinVar:

ClinVar aggregate classification (germline): Likely benign. Review status: criteria provided, multiple submitters, no conflicts (2 of 4 stars). 2 submissions from 2 submitters: Likely benign (2). Last evaluated 2024-01-02.

Allele frequency attached by ClinVar (database versions not stated): ExAC 0.00003; gnomAD exomes 0.00004; gnomAD 0.00007; TOPMed 0.00008.
gnomAD v4.1: 69 of 1,604,246 alleles (0.0043%); highest among the groups gnomAD compares: Admixed American, 0.0086%; no homozygotes.

Submissions (2):

Blueprint Genetics
Classification: Likely benign. Last evaluated: 2024-01-02. Review status: criteria provided, single submitter. Criteria: ACMG Guidelines, 2015. Collection method: clinical testing. Allele origin: germline.

CeGaT Center for Human Genetics Tuebingen
Classification: Likely benign. Last evaluated: 2023-10-01. Review status: criteria provided, single submitter. Criteria: CeGaT Center For Human Genetics Tuebingen Variant Classification Criteria Version 2. Collection method: clinical testing. Allele origin: germline. Affected: yes. Observed: 1 variant allele.
Comment: PI4KA: BP4, BP7

NM_058004.4(PI4KA):c.5772C>T (p.Tyr1924=)

Gene: PI4KA (phosphatidylinositol 4-kinase alpha; minus strand). Cytogenetic location: 22q11.21.
Variant type: single nucleotide variant.
Coding change: c.5772C>T on transcript NM_058004.4 (MANE Select); coding-DNA position 5772, C replaced by T.
Protein change: p.Tyr1924=; no amino-acid change (tyrosine 1924 retained).
Molecular consequence: synonymous variant.
Genome position (GRCh38, 1-based): chr22:20,712,516, G>A on the plus strand (C>T on the coding strand, the complement: PI4KA is on the minus strand). VCF-style: chr22-20712516-G-A. GRCh37 (hg19) VCF-style: chr22-21066804-G-A.
Other names: c.5679C>T, p.Tyr1893= (NM_001362862.2); c.5706C>T, p.Tyr1902= (NM_001362863.2).
Identifiers: ClinVar variation 2652906 (VCV002652906.25), dbSNP rs371492353, ClinGen allele CA10114568.